The following is an entry in ClinVar:

NM_004360.5(CDH1):c.1025C>T (p.Thr342Ile)

Gene: CDH1 (cadherin 1; plus strand). Cytogenetic location: 16q22.1.
Variant type: single nucleotide variant.
Coding change: c.1025C>T on transcript NM_004360.5 (MANE Select); coding-DNA position 1025, C replaced by T.
Protein change: p.Thr342Ile; replaces threonine 342 with isoleucine.
Molecular consequence: missense variant. On other transcripts: 5 prime UTR variant (2).
Genome position (GRCh38, 1-based): chr16:68,812,151, C>T. VCF-style: chr16-68812151-C-T. GRCh37 (hg19) VCF-style: chr16-68846054-C-T.
Other names: c.1025C>T, p.Thr342Ile (NM_001317184.2); c.-591C>T (NM_001317185.2); c.-795C>T (NM_001317186.2); short protein forms T342I.
Identifiers: ClinVar variation 4632626 (VCV004632626.1).

ClinVar aggregate classification (germline): Uncertain significance (1 of 4 stars; one submission).

Conditions:
Hereditary cancer-predisposing syndrome. Also called: Neoplastic Syndromes, Hereditary; Tumor predisposition; Hereditary Cancer Syndrome; Hereditary neoplastic syndrome. Identifiers: Orphanet 140162, MedGen C0027672, MeSH D009386, MONDO:0015356.

Submission:

Ambry Genetics
Classification: Uncertain significance for Hereditary cancer-predisposing syndrome. Last evaluated: 2025-10-26. Review status: criteria provided, single submitter. Criteria: Ambry Variant Classification Scheme 2023. Collection method: clinical testing. Allele origin: germline.
Comment: The p.T342I variant (also known as c.1025C>T), located in coding exon 8 of the CDH1 gene, results from a C to T substitution at nucleotide position 1025. The threonine at codon 342 is replaced by isoleucine, an amino acid with similar properties. This amino acid position is conserved. In addition, this alteration is predicted to be tolerated by in silico analysis. Based on the available evidence, the clinical significance of this variant remains unclear.